The following is an entry in ClinVar:

NM_007294.4(BRCA1):c.5126G>A (p.Gly1709Glu)

Gene: BRCA1 (BRCA1 DNA repair associated; minus strand). Cytogenetic location: 17q21.31.
Variant type: single nucleotide variant.
Coding change: c.5126G>A on transcript NM_007294.4 (MANE Select); coding-DNA position 5126, G replaced by A.
Protein change: p.Gly1709Glu; replaces glycine 1709 with glutamic acid.
Molecular consequence: missense variant. On other transcripts: non-coding transcript variant (1).
Genome position (GRCh38, 1-based): chr17:43,063,900, C>T on the plus strand (G>A on the coding strand, the complement: BRCA1 is on the minus strand). VCF-style: chr17-43063900-C-T. GRCh37 (hg19) VCF-style: chr17-41215917-C-T.
Other names: c.5189G>A, p.Gly1730Glu (NM_001407587.1, NM_007300.4, NM_001407583.1 and 1 more transcripts); c.5186G>A, p.Gly1729Glu (NM_001407590.1, NM_001407591.1); c.5126G>A, p.Gly1709Glu (NM_001407593.1, NM_001407594.1, NM_001407596.1 and 7 more transcripts); c.5123G>A, p.Gly1708Glu (NM_001407610.1, NM_001407621.1, NM_001407622.1 and 17 more transcripts); c.5120G>A, p.Gly1707Glu (NM_001407627.1, NM_001407628.1, NM_001407629.1 and 14 more transcripts); c.5117G>A, p.Gly1706Glu (NM_001407644.1, NM_001407645.1); c.5114G>A, p.Gly1705Glu (NM_001407646.1); c.5111G>A, p.Gly1704Glu (NM_001407647.1); and 71 more; short protein forms G1709E, G1730E, G605E, G1662E, G1580E, G1621E, G1640E, G1660E.
Identifiers: ClinVar variation 188417 (VCV000188417.5), dbSNP rs786204269, ClinGen allele CA003255.

ClinVar aggregate classification (germline): Uncertain significance (1 of 4 stars; one submission).

Allele frequency attached by ClinVar (database versions not stated): gnomAD exomes below 0.00001.
gnomAD v4.1: 1 of 1,614,032 alleles (0.000062%); highest among the groups gnomAD compares: Non-Finnish European, 0.000085%; no homozygotes.

Submissions (2):

GeneDx
Classification: Uncertain significance. Last evaluated: 2018-03-19. Review status: criteria provided, single submitter. Criteria: GeneDx Variant Classification (06012015). Collection method: clinical testing. Allele origin: germline. Affected: yes.
Comment: This variant is denoted BRCA1 c.5126G>A at the cDNA level, p.Gly1709Glu (G1709E) at the protein level, and results in the change of a Glycine to a Glutamic Acid (GGA>GAA). Using alternate nomenclature, this variant would be defined as BRCA1 5245G>A. This variant has not, to our knowledge, been published in the literature as pathogenic or benign. BRCA1 Gly1709Glu was not observed in large population cohorts (Lek 2016). BRCA1 Gly1709Glu is located in the BRCT1 domain and a region known to interact with multiple other proteins (Narod 2004, Paul 2014). In-silico analysis, which includes protein predictors and evolutionary conservation, supports a deleterious effect. Based on currently available evidence, it is unclear whether BRCA1 Gly1709Glu is a pathogenic or benign variant. We consider it to be a variant of uncertain significance.

Brotman Baty Institute, University of Washington
No classification provided (evidence only). Condition: Breast-ovarian cancer, familial 1. Review status: no classification provided. Collection method: in vitro. Allele origin: not applicable. Functional consequence: functionally_normal. Not counted in ClinVar's aggregate classification.
ClinVar note: "not provided" was previously submitted as the classification for the variant. However, the classification appeared to be based only on an observation of functional data so it was converted to no classification on 2025-07-30.